The following is an entry in ClinVar:

NM_007103.4(NDUFV1):c.43C>T (p.Arg15Trp)

Gene: NDUFV1 (NADH:ubiquinone oxidoreductase core subunit V1; plus strand). Cytogenetic location: 11q13.2.
Variant type: single nucleotide variant.
Coding change: c.43C>T on transcript NM_007103.4 (MANE Select); coding-DNA position 43, C replaced by T.
Protein change: p.Arg15Trp; replaces arginine 15 with tryptophan.
Molecular consequence: missense variant.
Genome position (GRCh38, 1-based): chr11:67,607,047, C>T. VCF-style: chr11-67607047-C-T. GRCh37 (hg19) VCF-style: chr11-67374518-C-T.
Other names: NC_000011.9:g.67374518C>T; c.43C>T, p.Arg15Trp (NM_001166102.2); short protein forms R15W.
Identifiers: ClinVar variation 426832 (VCV000426832.11), dbSNP rs148352905, ClinGen allele CA6143029.

ClinVar aggregate classification (germline): Conflicting classifications of pathogenicity. Review status: criteria provided, conflicting classifications (1 of 4 stars). 4 submissions from 4 submitters: Likely pathogenic (1); Uncertain significance (3). Last evaluated 2026-02-16.

Conditions:
Mitochondrial complex I deficiency, nuclear type 4. Also called: Mitochondrial complex 1 deficiency, nuclear type 4. Identifiers: MedGen C4748753, MONDO:0032609, OMIM 618225.
NDUFV1-related disorder. Also called: NDUFV1-related condition; NDUFV1-related disorders.
Inborn genetic diseases. Identifiers: MedGen C0950123, MeSH D030342.

Allele frequency attached by ClinVar (database versions not stated): gnomAD 0.00006; gnomAD exomes 0.00008 and 0.00014; ExAC 0.00015; ESP Exome Variant Server 0.00015; TOPMed 0.00018.
gnomAD v4.1: 208 of 1,608,950 alleles (0.013%); highest among the groups gnomAD compares: Non-Finnish European, 0.017%; no homozygotes.

Submissions (5):

Victorian Clinical Genetics Services, Murdoch Childrens Research Institute
Classification: Likely pathogenic for Mitochondrial complex I deficiency, nuclear type 4. Last evaluated: 2026-02-16. Review status: criteria provided, single submitter. Criteria: ACMG Guidelines, 2015. Collection method: clinical testing. Allele origin: germline. Affected: yes.
Comment: This variant is classified as Likely pathogenic. Evidence in support of pathogenic classification: Variant is present in gnomAD <0.01 for a recessive condition (v4: 208 heterozygote(s), 0 homozygote(s)); This variant has strong functional evidence supporting abnormal protein function. Additionally, proteomics in skeletal muscle measured NDUFV1 protein levels to be 15% compared to controls, along with a specific reduction of the N-module of complex I (MitoMDT Consortium, Victoria, Australia). Furthermore, expression studies also showed a small reduction in NDUFV1 mutant levels, and a subsequent reduction in assembled complex I (MitoMDT Consortium, Victoria, Australia); Heterozygous variant detected in trans with a PATHOGENIC heterozygous variant, NM_007103.4(NDUFV1):c.520C>T; p.(Arg174*), in a recessive disease. Additional information: Variant is predicted to result in a missense amino acid change from Arg to Trp; This variant is heterozygous; This gene is associated with autosomal recessive disease; Alternative amino acid change(s) at the same position are present in gnomAD (highest allele count: v4: 1 heterozygote(s), 0 homozygote(s)); Previous evidence of pathogenicity for this variant is inconclusive. This variant has been classified as a VUS by clinical laboratories in ClinVar. Additionally, it has been reported in the literature in a compound heterozygous state with an NMD-predicted variant, in an individual with Leigh syndrome (PMID: 33533527); No published evidence of segregation with disease has been identified for this variant; No comparable missense variants have previous evidence for pathogenicity; Variant is located in the annotated transit peptide (UniProt); Missense variant with inconclusive in silico prediction and/or uninformative conservation; Loss of function is a known mechanism of disease in this gene and is associated with mitochondrial complex I deficiency, nuclear type 4 (MIM#618225).

Ambry Genetics
Classification: Uncertain significance for Inborn genetic diseases. Last evaluated: 2025-06-09. Review status: criteria provided, single submitter. Criteria: Ambry Variant Classification Scheme 2023. Collection method: clinical testing. Allele origin: germline.

GeneDx
Classification: Uncertain significance. Last evaluated: 2025-02-21. Review status: criteria provided, single submitter. Criteria: GeneDx Variant Classification Process June 2021. Collection method: clinical testing. Allele origin: germline. Affected: yes.
Comment: In silico analysis indicates that this missense variant does not alter protein structure/function; This variant is associated with the following publications: (PMID: 33533527)

PreventionGenetics, part of Exact Sciences
Classification: Uncertain significance for NDUFV1-related condition. Last evaluated: 2025-01-06. Review status: criteria provided, single submitter. Criteria: ACMG Guidelines, 2015. Collection method: clinical testing. Allele origin: germline.
Comment: The NDUFV1 c.43C>T variant is predicted to result in the amino acid substitution p.Arg15Trp. This variant has been reported in the compound heterozygous state with a protein-truncating variant in one individual with a suspected mitochondrial myopathy (Bhatia et al. 2021. PubMed ID: 33533527, see table 1). This variant has been reported at a frequency of ~0.02% in individuals of non-Finnish European origin in the gnomAD database and is classified as a variant of uncertain significance in ClinVar. Although we suspect c.43C>T (p.Arg15Trp) could be pathogenic, the clinical significance of this variant is classified as uncertain at this time due to the absence of conclusive functional and genetic evidence.

Dr. Peter K. Rogan Lab, Western University
No classification provided (evidence only). Condition: Malignant tumor of esophagus. Review status: no classification provided. Collection method: in vitro. Allele origin: not applicable. Functional consequence: retained intron. Not counted in ClinVar's aggregate classification.

Literature cited by the submitters: PubMed 33533527 (cited by Victorian Clinical Genetics Services, Murdoch Childrens Research Institute).